The following is an entry in ClinVar:

ClinVar aggregate classification (germline): Likely pathogenic (1 of 4 stars; one submission).

Allele frequency attached by ClinVar (database versions not stated): gnomAD 0.00001.
gnomAD v4.1: 12 of 1,613,948 alleles (0.00074%); highest among the groups gnomAD compares: Admixed American, 0.0017%; no homozygotes.

Submission:

Labcorp Genetics (formerly Invitae), Labcorp
Classification: Likely pathogenic. Last evaluated: 2025-01-15. Review status: criteria provided, single submitter. Criteria: Invitae Variant Classification Sherloc (09022015). Collection method: clinical testing. Allele origin: germline.
Comment: This sequence change replaces arginine, which is basic and polar, with histidine, which is basic and polar, at codon 438 of the GALNT3 protein (p.Arg438His). This variant is present in population databases (no rsID available, gnomAD 0.01%). This missense change has been observed in individual(s) with hyperostosis–hyperphosphataemia syndrome (PMID: 18322299). This variant is also known as 1584G>A. ClinVar contains an entry for this variant (Variation ID: 2203164). Invitae Evidence Modeling of protein sequence and biophysical properties (such as structural, functional, and spatial information, amino acid conservation, physicochemical variation, residue mobility, and thermodynamic stability) indicates that this missense variant is expected to disrupt GALNT3 protein function with a positive predictive value of 80%. This variant disrupts the p.Arg438 amino acid residue in GALNT3. Other variant(s) that disrupt this residue have been determined to be pathogenic (PMID: 18982401, 21347749, 27164190; internal data). This suggests that this residue is clinically significant, and that variants that disrupt this residue are likely to be disease-causing. In summary, the currently available evidence indicates that the variant is pathogenic, but additional data are needed to prove that conclusively. Therefore, this variant has been classified as Likely Pathogenic.

Literature cited by the submitters: PubMed 18322299; PubMed 18982401; PubMed 21347749; PubMed 27164190.

NM_004482.4(GALNT3):c.1313G>A (p.Arg438His)

Gene: GALNT3 (polypeptide N-acetylgalactosaminyltransferase 3; minus strand). Cytogenetic location: 2q24.3.
Variant type: single nucleotide variant.
Coding change: c.1313G>A on transcript NM_004482.4 (MANE Select); coding-DNA position 1313, G replaced by A.
Protein change: p.Arg438His; replaces arginine 438 with histidine.
Molecular consequence: missense variant.
Genome position (GRCh38, 1-based): chr2:165,757,126, C>T on the plus strand (G>A on the coding strand, the complement: GALNT3 is on the minus strand). VCF-style: chr2-165757126-C-T. GRCh37 (hg19) VCF-style: chr2-166613636-C-T.
Other names: short protein forms R438H.
Identifiers: ClinVar variation 2203164 (VCV002203164.4), dbSNP rs1159208891, ClinGen allele CA349034762.
Genomic context (GRCh38, chr2:165,757,126, plus strand): 5'-GCATCTGTATTTCTCCTATAAAATATTTCCTTGTATTCATCCATCCAGACTTCTGCAAGG[C>T]GAACTTGGTTTCTAGCAATCACCTGAGTGCCTTTTGGAAAGCTATGAGGGCTTTTGCTGC-3'
Protein context (NP_004473.2, residues 428-448): GTQVIARNQV[Arg438His]LAEVWMDEYK